The following is an entry in ClinVar:

ClinVar aggregate classification (germline): Uncertain significance (1 of 4 stars; one submission).

Conditions:
Ataxia-telangiectasia syndrome (AT). Also called: Ataxia-telangiectasia, complementation group D; AT, COMPLEMENTATION GROUP C; ATAXIA-TELANGIECTASIA, COMPLEMENTATION GROUP A; ATAXIA-TELANGIECTASIA, FRESNO VARIANT; Ataxia-telangiectasia; Ataxia-telangiectasia, complementation group E. Identifiers: Orphanet 100, MedGen C0004135, MONDO:0008840, OMIM 208900.

Submission:

Labcorp Genetics (formerly Invitae), Labcorp
Classification: Uncertain significance for Ataxia-telangiectasia syndrome. Last evaluated: 2025-07-22. Review status: criteria provided, single submitter. Criteria: Invitae Variant Classification Sherloc (09022015). Collection method: clinical testing. Allele origin: germline.
Comment: This sequence change falls in intron 51 of the ATM gene. It does not directly change the encoded amino acid sequence of the ATM protein. It affects a nucleotide within the consensus splice site. This variant is not present in population databases (gnomAD no frequency). This variant has not been reported in the literature in individuals affected with ATM-related conditions. Variants that disrupt the consensus splice site are a relatively common cause of aberrant splicing (PMID: 17576681, 9536098). Algorithms developed to predict the effect of sequence changes on RNA splicing suggest that this variant is not likely to affect RNA splicing. In summary, the available evidence is currently insufficient to determine the role of this variant in disease. Therefore, it has been classified as a Variant of Uncertain Significance.

Literature cited by the submitters: PubMed 17576681; PubMed 9536098.

NM_000051.4(ATM):c.7629+3A>G

Genes: ATM (ATM serine/threonine kinase; plus strand), C11orf65 (chromosome 11 open reading frame 65; minus strand). Cytogenetic location: 11q22.3.
Variant type: single nucleotide variant.
Coding change: c.7629+3A>G on transcript NM_000051.4 (MANE Select); 3 bases into the intron after coding-DNA position 7629, A replaced by G.
Molecular consequence: intron variant. On other transcripts: non-coding transcript variant (1).
Genome position (GRCh38, 1-based): chr11:108,331,560, A>G. VCF-style: chr11-108331560-A-G. GRCh37 (hg19) VCF-style: chr11-108202287-A-G.
Other names: c.7629+3A>G (NM_001351834.2); c.641-22489T>C (NM_001330368.2); c.*38+3660T>C (NM_001351110.2).
Identifiers: ClinVar variation 4723689 (VCV004723689.1).